The following is an entry in ClinVar:

ClinVar aggregate classification (germline): Pathogenic. Review status: criteria provided, single submitter (1 of 4 stars). 2 submissions from 2 submitters: Pathogenic (1). 1 of the submissions does not count toward it. Last evaluated 2020-03-18.

Conditions:
Charcot-Marie-Tooth disease. Also called: Charcot-Marie-Tooth Hereditary Neuropathy; Charcot-Marie-Tooth Neuropathy. Identifiers: Orphanet 166, MedGen C0007959, MONDO:0015626.
Charcot-Marie-Tooth disease type 4. Also called: Charcot-Marie-Tooth, Type 4; Charcot-Marie-Tooth disease, type IV. Identifiers: Orphanet 64749, MedGen C4082197, MONDO:0018995.

Submissions (2):

Labcorp Genetics (formerly Invitae), Labcorp
Classification: Pathogenic for Charcot-Marie-Tooth disease type 4. Last evaluated: 2020-03-18. Review status: criteria provided, single submitter. Criteria: Invitae Variant Classification Sherloc (09022015). Collection method: clinical testing. Allele origin: germline.
Comment: For these reasons, this variant has been classified as Pathogenic. A different truncation (p.Arg1070*) downstream of this variant has been determined to be pathogenic (PMID: 15197604, 15469949, 16770524, 22847150, 26059842). This suggests that deletion of this region of the PRX protein is causative of disease. This variant has been observed in individual(s) with Charcot-Marie-Tooth disease (PMID: 21079185). ClinVar contains an entry for this variant (Variation ID: 637397). The frequency data for this variant in the population databases is considered unreliable, as metrics indicate insufficient coverage at this position in the ExAC database. This sequence change results in a premature translational stop signal in the PRX gene (p.Ser259Profs*55). While this is not anticipated to result in nonsense mediated decay, it is expected to disrupt the last 1203 amino acids of the PRX protein.

Inherited Neuropathy Consortium
Classification: Uncertain significance for Charcot-Marie-Tooth disease. Review status: no assertion criteria provided. Collection method: literature only. Allele origin: germline. Affected: yes. Not counted in ClinVar's aggregate classification.

Literature cited by the submitters: PubMed 15197604 (cited by Labcorp Genetics (formerly Invitae), Labcorp); PubMed 15469949 (cited by Labcorp Genetics (formerly Invitae), Labcorp); PubMed 16770524 (cited by Labcorp Genetics (formerly Invitae), Labcorp); PubMed 22847150 (cited by Labcorp Genetics (formerly Invitae), Labcorp); PubMed 26059842 (cited by Labcorp Genetics (formerly Invitae), Labcorp); PubMed 21079185 (cited by Labcorp Genetics (formerly Invitae), Labcorp and Inherited Neuropathy Consortium).

NM_181882.3(PRX):c.773_774dup (p.Ser259fs)

Gene: PRX (periaxin; minus strand). Cytogenetic location: 19q13.2.
Variant type: Duplication.
Coding change: c.773_774dup on transcript NM_181882.3 (MANE Select); coding-DNA positions 773 to 774, 2 bases duplicated (CC; older notation c.773_774dupCC).
Protein change: p.Ser259fs; shifts the reading frame from serine 259.
Molecular consequence: frameshift variant. On other transcripts: 3 prime UTR variant (1).
Genome position (GRCh38, 1-based): chr19:40,397,578-40,397,579, GG duplicated on the plus strand (CC on the coding strand, the reverse complement: PRX is on the minus strand); duplicating any 2 consecutive bases within chr19:40,397,578-40,397,582 gives the same sequence; the c. name uses the placement nearest the transcript's 3' end. VCF-style (leftmost placement, unchanged base first): chr19-40397577-A-AGG. GRCh37 (hg19) VCF-style: chr19-40903484-A-AGG.
Other names: c.773_774dupCC (NM_181882.2); c.*978_*979dup (NM_020956.2); short protein forms S259fs.
Identifiers: ClinVar variation 637397 (VCV000637397.9), dbSNP rs1599656136, ClinGen allele CA915953022.